The following is an entry in ClinVar:

ClinVar aggregate classification (germline): Likely pathogenic (1 of 4 stars; one submission).

Conditions:
Hypotrichosis 8 (HYPT8). Also called: HYPOTRICHOSIS, LOCALIZED, AUTOSOMAL RECESSIVE 3. Identifiers: Orphanet 55654, MedGen C3279470, MONDO:0010206, OMIM 278150.

Allele frequency attached by ClinVar (database versions not stated): gnomAD exomes below 0.00001.
gnomAD v4.1: 1 of 1,612,976 alleles (0.000062%); highest among the groups gnomAD compares: South Asian, 0.0011%; no homozygotes.

Submission:

SIB Swiss Institute of Bioinformatics
Classification: Likely pathogenic for Hypotrichosis 8. Review status: criteria provided, single submitter. Criteria: ACMG Guidelines, 2015. Collection method: curation. Allele origin: unknown.
Comment: This variant is interpreted as likely pathogenic for Woolly hair autosomal recessive 1 with or without hypotrichosis. The following ACMG Tag(s) were applied: Absent from controls (or at extremely low frequency if recessive) in Exome Sequencing Project, 1000 Genomes Project, or Exome Aggregation Consortium (PM2); Cosegregation with disease in multiple affected family members in a gene definitively known to cause the disease (PP1 upgraded to strong); Well-established functional studies show a deleterious effect (PS3 downgraded to supporting); Multiple lines of computational evidence support a deleterious effect on the gene or gene product (PP3).

Literature cited by the submitters: PubMed 18692127; PubMed 36173926.

NM_001162498.3(LPAR6):c.833G>A (p.Cys278Tyr)

Genes: LPAR6 (lysophosphatidic acid receptor 6; minus strand), RB1 (RB transcriptional corepressor 1; plus strand). Cytogenetic location: 13q14.2.
Variant type: single nucleotide variant.
Coding change: c.833G>A on transcript NM_001162498.3 (MANE Select); coding-DNA position 833, G replaced by A.
Protein change: p.Cys278Tyr; replaces cysteine 278 with tyrosine.
Molecular consequence: missense variant. On other transcripts: intron variant (2).
Genome position (GRCh38, 1-based): chr13:48,411,591, C>T on the plus strand (G>A on the coding strand, the complement: LPAR6 is on the minus strand). VCF-style: chr13-48411591-C-T. GRCh37 (hg19) VCF-style: chr13-48985727-C-T.
Other names: c.833G>A, p.Cys278Tyr (NM_001162497.3, NM_001377316.2, NM_001377317.2 and 1 more transcripts); c.1695+30148C>T (NM_001407165.1, NM_000321.3); short protein forms C278Y.
Identifiers: ClinVar variation 2505342 (VCV002505342.1), dbSNP rs1948803416, ClinGen allele CA388157721.
Genomic context (GRCh38, chr13:48,411,591, plus strand): 5'-ATTGTGTCCGATGTAAAGTAGTAAACTATAGGGTCAAAACAACAGTTGGAAACAGCAATA[C>T]AGAGAGTGATTGGGTACATTGTCCTTACTGCTGCCACTACTGAGCAATTAACAAATGTTT-3'
Protein context (NP_001155970.1, residues 268-288): AVRTMYPITL[Cys278Tyr]IAVSNCCFDP